The following is an entry in ClinVar:

NM_173477.5(USH1G):c.1301G>A (p.Gly434Glu)

Genes: USH1G (USH1 protein network component sans; minus strand), LOC130061627 (ATAC-STARR-seq lymphoblastoid active region 12722; plus strand). Cytogenetic location: 17q25.1.
Variant type: single nucleotide variant.
Coding change: c.1301G>A on transcript NM_173477.5 (MANE Select); coding-DNA position 1301, G replaced by A.
Protein change: p.Gly434Glu; replaces glycine 434 with glutamic acid.
Molecular consequence: missense variant.
Genome position (GRCh38, 1-based): chr17:74,919,535, C>T on the plus strand (G>A on the coding strand, the complement: USH1G is on the minus strand). VCF-style: chr17-74919535-C-T. GRCh37 (hg19) VCF-style: chr17-72915630-C-T.
Other names: c.992G>A, p.Gly331Glu (NM_001282489.3); short protein forms G331E, G434E.
Identifiers: ClinVar variation 1936210 (VCV001936210.5), dbSNP rs1364843674, ClinGen allele CA400961240.

ClinVar aggregate classification (germline): Uncertain significance (1 of 4 stars; one submission).

Allele frequency attached by ClinVar (database versions not stated): gnomAD exomes 0.00001.
gnomAD v4.1: 7 of 1,612,298 alleles (0.00043%); highest among the groups gnomAD compares: Non-Finnish European, 0.00059%; no homozygotes.

Submission:

Labcorp Genetics (formerly Invitae), Labcorp
Classification: Uncertain significance. Last evaluated: 2022-06-13. Review status: criteria provided, single submitter. Criteria: Invitae Variant Classification Sherloc (09022015). Collection method: clinical testing. Allele origin: germline.
Comment: This sequence change replaces glycine, which is neutral and non-polar, with glutamic acid, which is acidic and polar, at codon 434 of the USH1G protein (p.Gly434Glu). In summary, the available evidence is currently insufficient to determine the role of this variant in disease. Therefore, it has been classified as a Variant of Uncertain Significance. Algorithms developed to predict the effect of missense changes on protein structure and function are either unavailable or do not agree on the potential impact of this missense change (SIFT: "Not Available"; PolyPhen-2: "Probably Damaging"; Align-GVGD: "Not Available"). This variant has not been reported in the literature in individuals affected with USH1G-related conditions. This variant is not present in population databases (gnomAD no frequency).